The following is an entry in ClinVar:

ClinVar aggregate classification (germline): Pathogenic (0 of 4 stars; one submission).

Conditions:
Autosomal recessive nonsyndromic hearing loss 7. Also called: DEAFNESS, AUTOSOMAL RECESSIVE 11. Identifiers: Orphanet 90636, MedGen C1832978, MONDO:0010967, OMIM 600974.

Submission:

Laboratory of Prof. Karen Avraham, Tel Aviv University
Classification: Pathogenic for Autosomal recessive nonsyndromic hearing loss 7. Last evaluated: 2016-02-19. Review status: no assertion criteria provided. Collection method: research. Allele origin: germline. Affected: yes.
Comment: Congenital, profound HL

NSHL; recessive, DFNB7

NM_138691.2(TMC1):c.[1810C>T];[1939T>C]

Variant type: CompoundHeterozygote.
Identifiers: ClinVar variation 424812 (VCV000424812.2).